The following is an entry in ClinVar:

ClinVar aggregate classification (germline): Benign. Review status: criteria provided, multiple submitters, no conflicts (2 of 4 stars). 4 submissions from 4 submitters: Benign (4). Last evaluated 2026-02-04.

Conditions:
Primary dilated cardiomyopathy (DCM). Also called: Dilated Cardiomyopathy. Identifiers: Orphanet 217604, MedGen C0007193, MeSH D002311, MONDO:0005021, HP:0001644. Inheritance: Various modes of inheritance.
Cardiovascular phenotype. Identifiers: MedGen CN230736.

Allele frequency attached by ClinVar (database versions not stated): gnomAD exomes 0.13549; ExAC 0.14628; 1000 Genomes Project 0.16813; 1000 Genomes Project 30x 0.17255; gnomAD 0.19999 and 0.20721; TOPMed 0.20711; ESP Exome Variant Server 0.21131.
gnomAD v4.1: 240,689 of 1,609,906 alleles (15%); highest among the groups gnomAD compares: African/African-American, 37%; 20,833 homozygotes.

Submissions (4):

Labcorp Genetics (formerly Invitae), Labcorp
Classification: Benign for Primary dilated cardiomyopathy. Last evaluated: 2026-02-04. Review status: criteria provided, single submitter. Criteria: Invitae Variant Classification Sherloc (09022015). Collection method: clinical testing. Allele origin: germline.

GeneDx
Classification: Benign. Last evaluated: 2016-09-23. Review status: criteria provided, single submitter. Criteria: GeneDx Variant Classification (06012015). Collection method: clinical testing. Allele origin: germline. Affected: yes.
Comment: This variant is considered likely benign or benign based on one or more of the following criteria: it is a conservative change, it occurs at a poorly conserved position in the protein, it is predicted to be benign by multiple in silico algorithms, and/or has population frequency not consistent with disease.

Ambry Genetics
Classification: Benign for Cardiovascular phenotype. Last evaluated: 2015-06-18. Review status: criteria provided, single submitter. Criteria: Ambry Variant Classification Scheme 2023. Collection method: clinical testing. Allele origin: germline.

Breakthrough Genomics
Classification: Benign. Review status: criteria provided, single submitter. Criteria: ACMG Guidelines, 2015. Collection method: not provided. Allele origin: germline. Inheritance: Autosomal recessive inheritance. Affected: yes.

NM_006440.5(TXNRD2):c.246C>T (p.Leu82=)

Gene: TXNRD2 (thioredoxin reductase 2; minus strand). Cytogenetic location: 22q11.21.
Variant type: single nucleotide variant.
Coding change: c.246C>T on transcript NM_006440.5 (MANE Select); coding-DNA position 246, C replaced by T.
Protein change: p.Leu82=; no amino-acid change (leucine 82 retained).
Molecular consequence: synonymous variant. On other transcripts: 5 prime UTR variant (1), non-coding transcript variant (1).
Genome position (GRCh38, 1-based): chr22:19,918,988, G>A on the plus strand (C>T on the coding strand, the complement: TXNRD2 is on the minus strand). VCF-style: chr22-19918988-G-A. GRCh37 (hg19) VCF-style: chr22-19906511-G-A.
Other names: c.246C>T, p.Leu82= (NM_001282512.3); c.243C>T, p.Leu81= (NM_001352300.2); c.156C>T, p.Leu52= (NM_001352301.2); c.-43C>T (NM_001352302.2); c.150C>T, p.Leu50= (NM_001352303.2).
Identifiers: ClinVar variation 263409 (VCV000263409.15), dbSNP rs11541479, ClinGen allele CA10104280.